The following is an entry in ClinVar:

ClinVar aggregate classification (germline): Benign/Likely benign. Review status: criteria provided, multiple submitters, no conflicts (2 of 4 stars). 6 submissions from 6 submitters: Benign (3); Likely benign (3). Last evaluated 2026-03-05.

Conditions:
SYNE2-related disorder. Also called: SYNE2-related condition.
Emery-Dreifuss muscular dystrophy 5, autosomal dominant (EDMD5). Also called: EMERY-DREIFUSS MUSCULAR DYSTROPHY 5. Identifiers: Orphanet 261, MedGen C2751805, MONDO:0013072, OMIM 612999.

Allele frequency attached by ClinVar (database versions not stated): 1000 Genomes Project 30x 0.00016; 1000 Genomes Project 0.00020; TOPMed 0.00068; ExAC 0.00073; gnomAD exomes 0.00074 and 0.00112; gnomAD 0.00082 and 0.00086; ESP Exome Variant Server 0.00123.
gnomAD v4.1: 1,780 of 1,614,036 alleles (0.11%); highest among the groups gnomAD compares: Non-Finnish European, 0.13%; 3 homozygotes.

Submissions (6):

PreventionGenetics, part of Exact Sciences
Classification: Likely benign for SYNE2-related condition. Last evaluated: 2026-03-05. Review status: criteria provided, single submitter. Criteria: ACMG Guidelines, 2015. Collection method: clinical testing. Allele origin: germline.
Comment: This variant is classified as likely benign based on ACMG/AMP sequence variant interpretation guidelines (Richards et al. 2015 PMID: 25741868, with internal and published modifications).

Labcorp Genetics (formerly Invitae), Labcorp
Classification: Likely benign for Emery-Dreifuss muscular dystrophy 5, autosomal dominant. Last evaluated: 2026-01-25. Review status: criteria provided, single submitter. Criteria: Invitae Variant Classification Sherloc (09022015). Collection method: clinical testing. Allele origin: germline.

CeGaT Center for Human Genetics Tuebingen
Classification: Benign. Last evaluated: 2024-03-01. Review status: criteria provided, single submitter. Criteria: CeGaT Center For Human Genetics Tuebingen Variant Classification Criteria Version 2. Collection method: clinical testing. Allele origin: germline. Affected: yes. Observed: 3 variant alleles.
Comment: SYNE2: BP4, BS1, BS2

Athena Diagnostics
Classification: Benign. Last evaluated: 2019-02-04. Review status: criteria provided, single submitter. Criteria: Athena Diagnostics Criteria. Collection method: clinical testing. Allele origin: germline.

Illumina Laboratory Services, Illumina
Classification: Benign for Emery-Dreifuss muscular dystrophy 5, autosomal dominant. Last evaluated: 2018-01-12. Review status: criteria provided, single submitter. Criteria: ICSL Variant Classification Criteria 13 December 2019. Collection method: clinical testing. Allele origin: germline.
Comment: This variant was observed in the ICSL laboratory as part of a predisposition screen in an ostensibly healthy population. It had not been previously curated by ICSL or reported in the Human Gene Mutation Database (HGMD: prior to June 1st, 2018), and was therefore a candidate for classification through an automated scoring system. Utilizing variant allele frequency, disease prevalence and penetrance estimates, and inheritance mode, an automated score was calculated to assess if this variant is too frequent to cause the disease. Based on the score and internal cut-off values, a variant classified as benign is not then subjected to further curation. The score for this variant resulted in a classification of benign for this disease.

Eurofins Ntd Llc (ga)
Classification: Likely benign. Last evaluated: 2014-08-18. Review status: criteria provided, single submitter. Criteria: EGL Classification Definitions 2015. Collection method: clinical testing. Allele origin: germline. Observed: 1 variant allele, 1 heterozygote.

Literature cited by the submitters: PubMed 25587064 (cited by Athena Diagnostics).

NM_182914.3(SYNE2):c.15248A>G (p.Asp5083Gly)

Gene: SYNE2 (spectrin repeat containing nuclear envelope protein 2; plus strand). Cytogenetic location: 14q23.2.
Variant type: single nucleotide variant.
Coding change: c.15248A>G on transcript NM_182914.3 (MANE Select); coding-DNA position 15248, A replaced by G.
Protein change: p.Asp5083Gly; replaces aspartic acid 5083 with glycine.
Molecular consequence: missense variant.
Genome position (GRCh38, 1-based): chr14:64,142,030, A>G. VCF-style: chr14-64142030-A-G. GRCh37 (hg19) VCF-style: chr14-64608748-A-G.
Other names: c.15248A>G, p.Asp5083Gly (NM_015180.6); short protein forms D5083G.
Identifiers: ClinVar variation 198953 (VCV000198953.46), dbSNP rs149617373, ClinGen allele CA203683.
Genomic context (GRCh38, chr14:64,142,030, plus strand): 5'-AAGCAATCACAGAAATGATTAGCTGGATGAACAATGTGGAGCATCAAACTTCAGATGAAG[A>G]CTCCGTGCATTCACCAAGTTCTGCATCTCAAGTTAAACATCTTCTTCAGAAGCACAAGGT-3'
Protein context (NP_878918.2, residues 5073-5093): NNVEHQTSDE[Asp5083Gly]SVHSPSSASQ